The following is an entry in ClinVar:

NM_006314.3(CNKSR1):c.503G>T (p.Gly168Val)

Gene: CNKSR1 (connector enhancer of kinase suppressor of Ras 1; plus strand). Cytogenetic location: 1p36.11.
Variant type: single nucleotide variant.
Coding change: c.503G>T on transcript NM_006314.3 (MANE Select); coding-DNA position 503, G replaced by T.
Protein change: p.Gly168Val; replaces glycine 168 with valine.
Molecular consequence: missense variant. On other transcripts: 5 prime UTR variant (1).
Genome position (GRCh38, 1-based): chr1:26,182,386, G>T. VCF-style: chr1-26182386-G-T. GRCh37 (hg19) VCF-style: chr1-26508877-G-T.
Other names: c.503G>T, p.Gly168Val (NM_001297647.2); c.-267G>T (NM_001297648.2); short protein forms G168V.
Identifiers: ClinVar variation 1805677 (VCV001805677.1), dbSNP rs2523105744, ClinGen allele CA339108559.

ClinVar aggregate classification (germline): Uncertain significance (1 of 4 stars; one submission).

Conditions:
Neurodevelopmental disorder. Identifiers: MedGen C1535926, MeSH D065886, MONDO:0700092.

Submission:

Victorian Clinical Genetics Services, Murdoch Childrens Research Institute
Classification: Uncertain significance for Neurodevelopmental disorder. Last evaluated: 2020-10-19. Review status: criteria provided, single submitter. Criteria: ACMG Guidelines, 2015. Collection method: clinical testing. Allele origin: germline. Inheritance: Autosomal recessive inheritance.
Comment: Based on the classification scheme VCGS_Germline_v1.3.3, this variant is classified as 3C-VUS. Following criteria are met: 0105 - The mechanism of disease for this gene is not clearly established. (I) 0106 - This gene is associated with autosomal recessive disease. (I) 0200 - Variant is predicted to result in a missense amino acid change from glycine to valine. (I) 0252 - This variant is homozygous. (I) 0301 - Variant is absent from gnomAD (both v2 and v3). (SP) 0503 - Missense variant consistently predicted to be tolerated by multiple in silico tools or not conserved in placental mammals with a minor amino acid change. (SB) 0604 - Variant is not located in an established domain, motif, hotspot or informative constraint region. (I) 0705 - No comparable missense variants affecting the same residue have previous evidence for pathogenicity. (I) 0807 - This variant has no previous evidence of pathogenicity. (I) 0905 - No published segregation evidence has been identified for this variant. (I) 1007 - No published functional evidence has been identified for this variant. (I) Legend: (SP) - Supporting pathogenic, (I) - Information, (SB) - Supporting benign